The following is an entry in ClinVar:

ClinVar aggregate classification (germline): Uncertain significance (1 of 4 stars; one submission).

Allele frequency attached by ClinVar (database versions not stated): TOPMed below 0.00001; ExAC 0.00001; gnomAD exomes 0.00001 and 0.00002.
gnomAD v4.1: 23 of 1,612,602 alleles (0.0014%); highest among the groups gnomAD compares: Admixed American, 0.005%; no homozygotes.

Submission:

Labcorp Genetics (formerly Invitae), Labcorp
Classification: Uncertain significance. Last evaluated: 2021-07-04. Review status: criteria provided, single submitter. Criteria: Invitae Variant Classification Sherloc (09022015). Collection method: clinical testing. Allele origin: germline.
Comment: This sequence change replaces threonine with methionine at codon 680 of the SIPA1L3 protein (p.Thr680Met). The threonine residue is highly conserved and there is a moderate physicochemical difference between threonine and methionine. This variant is present in population databases (rs779041747, ExAC 0.009%). This variant has not been reported in the literature in individuals affected with SIPA1L3-related conditions. Algorithms developed to predict the effect of missense changes on protein structure and function are either unavailable or do not agree on the potential impact of this missense change (SIFT: "Deleterious"; PolyPhen-2: "Probably Damaging"; Align-GVGD: "Class C15"). In summary, the available evidence is currently insufficient to determine the role of this variant in disease. Therefore, it has been classified as a Variant of Uncertain Significance.

NM_015073.3(SIPA1L3):c.2039C>T (p.Thr680Met)

Gene: SIPA1L3 (signal induced proliferation associated 1 like 3; plus strand). Cytogenetic location: 19q13.13.
Variant type: single nucleotide variant.
Coding change: c.2039C>T on transcript NM_015073.3 (MANE Select); coding-DNA position 2039, C replaced by T.
Protein change: p.Thr680Met; replaces threonine 680 with methionine.
Molecular consequence: missense variant.
Genome position (GRCh38, 1-based): chr19:38,106,546, C>T. VCF-style: chr19-38106546-C-T. GRCh37 (hg19) VCF-style: chr19-38597186-C-T.
Other names: short protein forms T680M.
Identifiers: ClinVar variation 1479689 (VCV001479689.8), dbSNP rs779041747, ClinGen allele CA9409568.
Genomic context (GRCh38, chr19:38,106,546, plus strand): 5'-AAAAACCCAGAGGTTTTGGAAACATGGTCCTAACTGGCATTTCTGTTTCAGCCGACTCCA[C>T]GGGAACCCACTCCCTCTACACGATGTACCAGGACTACGAGATCATGTTCCATGTCTCCAC-3'
Protein context (NP_055888.1, residues 670-690): AAQLDVKTDS[Thr680Met]GTHSLYTMYQ